The following is an entry in ClinVar:

ClinVar aggregate classification (germline): Uncertain significance (1 of 4 stars; one submission).

Allele frequency attached by ClinVar (database versions not stated): gnomAD exomes below 0.00001 and 0.00001; ExAC 0.00001.
gnomAD v4.1: 5 of 1,613,150 alleles (0.00031%); highest among the groups gnomAD compares: Admixed American, 0.0083%; no homozygotes.

Submission:

Labcorp Genetics (formerly Invitae), Labcorp
Classification: Uncertain significance. Last evaluated: 2025-07-07. Review status: criteria provided, single submitter. Criteria: Invitae Variant Classification Sherloc (09022015). Collection method: clinical testing. Allele origin: germline.
Comment: This sequence change replaces aspartic acid, which is acidic and polar, with valine, which is neutral and non-polar, at codon 181 of the DOCK6 protein (p.Asp181Val). This variant is present in population databases (rs746677709, gnomAD 0.003%). This variant has not been reported in the literature in individuals affected with DOCK6-related conditions. ClinVar contains an entry for this variant (Variation ID: 1397273). An algorithm developed to predict the effect of missense changes on protein structure and function (PolyPhen-2) suggests that this variant is likely to be tolerated. In summary, the available evidence is currently insufficient to determine the role of this variant in disease. Therefore, it has been classified as a Variant of Uncertain Significance.

NM_020812.4(DOCK6):c.542A>T (p.Asp181Val)

Gene: DOCK6 (dedicator of cytokinesis 6; minus strand). Cytogenetic location: 19p13.2.
Variant type: single nucleotide variant.
Coding change: c.542A>T on transcript NM_020812.4 (MANE Select); coding-DNA position 542, A replaced by T.
Protein change: p.Asp181Val; replaces aspartic acid 181 with valine.
Molecular consequence: missense variant.
Genome position (GRCh38, 1-based): chr19:11,251,052, T>A on the plus strand (A>T on the coding strand, the complement: DOCK6 is on the minus strand). VCF-style: chr19-11251052-T-A. GRCh37 (hg19) VCF-style: chr19-11361728-T-A.
Other names: c.542A>T, p.Asp181Val (NM_001367830.1); short protein forms D181V.
Identifiers: ClinVar variation 1397273 (VCV001397273.8), dbSNP rs746677709, ClinGen allele CA9208444.